The following is an entry in ClinVar:

ClinVar aggregate classification (germline): Benign. Review status: criteria provided, multiple submitters, no conflicts (2 of 4 stars). 2 submissions from 2 submitters: Benign (2). Last evaluated 2018-06-14.

Allele frequency attached by ClinVar (database versions not stated): gnomAD exomes 0.40498 and 0.44538; ExAC 0.44778; gnomAD 0.47211 and 0.47555; ESP Exome Variant Server 0.47507; TOPMed 0.49298; 1000 Genomes Project 30x 0.55778; 1000 Genomes Project 0.55891.
gnomAD v4.1: 518,321 of 1,248,612 alleles (42%); highest among the groups gnomAD compares: African/African-American, 68%; 114,224 homozygotes.

Submissions (2):

GeneDx
Classification: Benign. Last evaluated: 2018-06-14. Review status: criteria provided, single submitter. Criteria: GeneDx Variant Classification (06012015). Collection method: clinical testing. Allele origin: germline. Affected: yes.
Comment: This variant is considered likely benign or benign based on one or more of the following criteria: it is a conservative change, it occurs at a poorly conserved position in the protein, it is predicted to be benign by multiple in silico algorithms, and/or has population frequency not consistent with disease.

Breakthrough Genomics
Classification: Benign. Review status: criteria provided, single submitter. Criteria: ACMG Guidelines, 2015. Collection method: not provided. Allele origin: germline. Inheritance: Unknown mechanism. Affected: yes.

NM_006393.3(NEBL):c.2149-48T>A

Gene: NEBL (nebulette; minus strand). Cytogenetic location: 10p12.31.
Variant type: single nucleotide variant.
Coding change: c.2149-48T>A on transcript NM_006393.3 (MANE Select); 48 bases into the intron before coding-DNA position 2149, T replaced by A.
Molecular consequence: intron variant.
Genome position (GRCh38, 1-based): chr10:20,815,765, A>T on the plus strand (T>A on the coding strand, the complement: NEBL is on the minus strand). VCF-style: chr10-20815765-A-T. GRCh37 (hg19) VCF-style: chr10-21104694-A-T.
Other names: c.250-2825T>A (NM_001377326.1, NM_001377327.1, NM_001377328.1); c.358-2825T>A (NM_213569.2, NM_001173484.2, NM_001377322.1); c.301-2825T>A (NM_001377324.1); c.292-2825T>A (NM_001377325.1); c.310-2825T>A (NM_001377323.1).
Identifiers: ClinVar variation 671174 (VCV000671174.2), dbSNP rs4748727, ClinGen allele CA5432585.
Genomic context (GRCh38, chr10:20,815,765, plus strand): 5'-CTCTGTAATAAACCTATCATTTCAGAGAACAAAAAATAGAATACTATGAATCAATTCAAC[A>T]AAGAGACTTATTTATTTATTTAAGACAGGGTCTTGCTCTGTCACCCAGGCTGAAGTGCAG-3'